The following is an entry in ClinVar:

ClinVar aggregate classification (germline): Conflicting classifications of pathogenicity. Review status: criteria provided, conflicting classifications (1 of 4 stars). 13 submissions from 13 submitters: Uncertain significance (2); Benign (2); Likely benign (9). Last evaluated 2026-02-01.

Conditions:
TSC2-related disorder. Also called: TSC2-related condition; TSC2-Related Disorders.
Ovarian cancer. Also called: OVARIAN CANCER, SOMATIC. Identifiers: Orphanet 213500, MedGen C1140680, MONDO:0008170, OMIM 167000.
Hereditary cancer-predisposing syndrome. Also called: Hereditary neoplastic syndrome; Neoplastic Syndromes, Hereditary; Hereditary Cancer Syndrome; Tumor predisposition. Identifiers: Orphanet 140162, MedGen C0027672, MeSH D009386, MONDO:0015356.
Tuberous sclerosis syndrome (TSC). Also called: Tuberous Sclerosis Complex; Tuberous sclerosis. Identifiers: Orphanet 805, MedGen C0041341, MONDO:0001734.
Tuberous sclerosis 2 (TSC2). Identifiers: Orphanet 805, MedGen C1860707, MONDO:0013199, OMIM 613254.

Allele frequency attached by ClinVar (database versions not stated): TOPMed below 0.00001; gnomAD 0.00001; ExAC 0.00003; gnomAD exomes 0.00003 and 0.00004.
gnomAD v4.1: 47 of 1,610,942 alleles (0.0029%); highest among the groups gnomAD compares: Middle Eastern, 0.016%; 1 homozygote.

Submissions (13):

PreventionGenetics, part of Exact Sciences
Classification: Likely benign for TSC2-related condition. Last evaluated: 2026-02-01. Review status: criteria provided, single submitter. Criteria: ACMG Guidelines, 2015. Collection method: clinical testing. Allele origin: germline.
Comment: This variant is classified as likely benign based on ACMG/AMP sequence variant interpretation guidelines (Richards et al. 2015 PMID: 25741868, with internal and published modifications).

Labcorp Genetics (formerly Invitae), Labcorp
Classification: Benign for Tuberous sclerosis 2. Last evaluated: 2026-01-07. Review status: criteria provided, single submitter. Criteria: Invitae Variant Classification Sherloc (09022015). Collection method: clinical testing. Allele origin: germline.

Myriad Genetics, Inc.
Classification: Likely benign for Tuberous sclerosis 2. Last evaluated: 2025-06-02. Review status: criteria provided, single submitter. Criteria: Myriad Autosomal Dominant, Autosomal Recessive and X-Linked Classification Criteria (2023). Collection method: clinical testing. Allele origin: unknown.
Comment: This variant is considered likely benign. This variant has been observed at a population frequency that is significantly greater than expected given the associated disease prevalence and penetrance.

Quest Diagnostics Nichols Institute San Juan Capistrano
Classification: Likely benign. Last evaluated: 2025-01-03. Review status: criteria provided, single submitter. Criteria: Quest Diagnostics criteria. Collection method: clinical testing. Allele origin: unknown.

All of Us Research Program, National Institutes of Health
Classification: Uncertain significance for Tuberous sclerosis syndrome. Last evaluated: 2024-08-06. Review status: criteria provided, single submitter. Criteria: ACMG Guidelines, 2015. Collection method: clinical testing. Allele origin: germline. Inheritance: Autosomal dominant inheritance. Observed: 14 variant alleles, 14 heterozygotes.
Comment: This missense variant replaces valine with isoleucine at codon 1320 of the TSC2 protein. Computational prediction is inconclusive regarding the impact of this variant on protein structure and function (internally defined REVEL score threshold 0.5 < inconclusive < 0.7, PMID: 27666373). To our knowledge, functional studies have not been reported for this variant. This variant has not been reported in individuals affected with tuberous sclerosis complex in the literature. This variant has been identified in 9/244812 chromosomes in the general population by the Genome Aggregation Database (gnomAD). The available evidence is insufficient to determine the role of this variant in disease conclusively. Therefore, this variant is classified as a Variant of Uncertain Significance.

This study involves interpretation of variants in research participants for the purpose of population health screening. Participant phenotype was not available at the time of variant classification. Additional details can be found in publication PMID: 35346344, PMCID: PMC8962531

Color Diagnostics, LLC DBA Color Health
Classification: Uncertain significance for Tuberous sclerosis syndrome. Last evaluated: 2023-12-06. Review status: criteria provided, single submitter. Criteria: ACMG Guidelines, 2015. Collection method: clinical testing. Allele origin: germline.
Comment: This missense variant replaces valine with isoleucine at codon 1320 of the TSC2 protein. Computational prediction is inconclusive regarding the impact of this variant on protein structure and function. To our knowledge, functional studies have not been reported for this variant. This variant has not been reported in individuals affected with tuberous sclerosis complex in the literature. This variant has been identified in 9/244812 chromosomes in the general population by the Genome Aggregation Database (gnomAD). The available evidence is insufficient to determine the role of this variant in disease conclusively. Therefore, this variant is classified as a Variant of Uncertain Significance.

Blueprint Genetics
Classification: Likely benign. Last evaluated: 2023-08-09. Review status: criteria provided, single submitter. Criteria: ACMG Guidelines, 2015. Collection method: clinical testing. Allele origin: germline.

Women's Health and Genetics/Laboratory Corporation of America, LabCorp
Classification: Likely benign. Last evaluated: 2023-04-24. Review status: criteria provided, single submitter. Criteria: LabCorp Variant Classification Summary - May 2015. Collection method: clinical testing. Allele origin: germline.
Comment: Variant summary: TSC2 c.3958G>A (p.Val1320Ile) results in a conservative amino acid change in the encoded protein sequence. Five of five in-silico tools predict a benign effect of the variant on protein function. The variant allele was found at a frequency of 3.7e-05 in 244812 control chromosomes in the gnomAD database, including 1 homozygote. To our knowledge, no occurrence of c.3958G>A in individuals affected with Tuberous Sclerosis Complex and no experimental evidence demonstrating an impact on protein function has been reported. Five ClinVar submitters have assessed the variant since 2014: three classified the variant as likely benign and two as benign. Based on the evidence outlined above, the variant was classified as likely benign.

CeGaT Center for Human Genetics Tuebingen
Classification: Likely benign. Last evaluated: 2022-11-01. Review status: criteria provided, single submitter. Criteria: CeGaT Center For Human Genetics Tuebingen Variant Classification Criteria Version 2. Collection method: clinical testing. Allele origin: germline. Affected: yes. Observed: 1 variant allele.
Comment: TSC2: BP4, BS2

Laboratory of Molecular Epidemiology of Birth Defects, West China Second University Hospital, Sichuan University
Classification: Benign for Ovarian cancer. Last evaluated: 2022-01-01. Review status: criteria provided, single submitter. Criteria: ACMG Guidelines, 2015. Collection method: clinical testing. Allele origin: germline. Affected: yes.

Genome-Nilou Lab
Classification: Likely benign for Tuberous sclerosis 2. Last evaluated: 2021-11-07. Review status: criteria provided, single submitter. Criteria: ACMG Guidelines, 2015. Collection method: clinical testing. Allele origin: germline. Affected: no.

Ambry Genetics
Classification: Likely benign for Hereditary cancer-predisposing syndrome. Last evaluated: 2021-05-17. Review status: criteria provided, single submitter. Criteria: Ambry Variant Classification Scheme 2023. Collection method: clinical testing. Allele origin: germline.

GeneDx
Classification: Likely benign. Last evaluated: 2019-02-19. Review status: criteria provided, single submitter. Criteria: GeneDx Variant Classification Process June 2021. Collection method: clinical testing. Allele origin: germline. Affected: yes.
Comment: This variant is associated with the following publications: (PMID: 27930734)

Literature cited by the submitters: PubMed 27930734 (cited by Women's Health and Genetics/Laboratory Corporation of America, LabCorp and Ambry Genetics).

NM_000548.5(TSC2):c.3958G>A (p.Val1320Ile)

Gene: TSC2 (TSC complex subunit 2; plus strand). Cytogenetic location: 16p13.3.
Variant type: single nucleotide variant.
Coding change: c.3958G>A on transcript NM_000548.5 (MANE Select); coding-DNA position 3958, G replaced by A.
Protein change: p.Val1320Ile; replaces valine 1320 with isoleucine.
Molecular consequence: missense variant.
Genome position (GRCh38, 1-based): chr16:2,083,769, G>A. VCF-style: chr16-2083769-G-A. GRCh37 (hg19) VCF-style: chr16-2133770-G-A.
Other names: c.3958G>A (NM_000548.4); c.3757G>A, p.Val1253Ile (NM_001077183.3); c.3889G>A, p.Val1297Ile (NM_001114382.3); c.3649G>A, p.Val1217Ile (NM_001318827.2); c.3613G>A, p.Val1205Ile (NM_001318829.2); c.3226G>A, p.Val1076Ile (NM_001318831.2); c.3790G>A, p.Val1264Ile (NM_001318832.2); c.3760G>A, p.Val1254Ile (NM_001363528.2); and 2 more; short protein forms V1320I, V1253I, V1254I, V1277I, V1076I, V1276I, V1297I, V1205I.
Identifiers: ClinVar variation 486629 (VCV000486629.87), dbSNP rs767495365, ClinGen allele CA049761.